The following is an entry in ClinVar:

NM_001349338.3(FOXP1):c.1314_1321del (p.Tyr439fs)

Gene: FOXP1 (forkhead box P1; minus strand). Cytogenetic location: 3p13.
Variant type: Deletion.
Coding change: c.1314_1321del on transcript NM_001349338.3 (MANE Select); coding-DNA positions 1314 to 1321, 8 bases deleted (GTACTCAG; older notation c.1314_1321delGTACTCAG).
Protein change: p.Tyr439fs; shifts the reading frame from tyrosine 439.
Molecular consequence: frameshift variant. On other transcripts: non-coding transcript variant (2).
Genome position (GRCh38, 1-based): chr3:70,977,855-70,977,862, CTGAGTAC deleted on the plus strand (GTACTCAG on the coding strand, the reverse complement: FOXP1 is on the minus strand); deleting any 8 consecutive bases within chr3:70,977,855-70,977,863 gives the same sequence; the c. name uses the placement nearest the transcript's 3' end. VCF-style (leftmost placement, unchanged base first): chr3-70977854-TCTGAGTAC-T. GRCh37 (hg19) VCF-style: chr3-71027005-TCTGAGTAC-T.
Other names: c.1314_1321del, p.Tyr439fs (NM_001244808.3, NM_001244810.2, NM_001244814.3 and 3 more transcripts); c.1086_1093del, p.Tyr363fs (NM_001244812.3); c.1014_1021del, p.Tyr339fs (NM_001244813.3, NM_001244815.2, NM_001349342.3 and 1 more transcripts); c.1011_1018del, p.Tyr338fs (NM_001349337.2, NM_001349343.3, NM_001349344.3); c.1311_1318del, p.Tyr438fs (NM_001349341.3); short protein forms Y338fs, Y439fs, Y339fs, Y363fs, Y438fs.
Identifiers: ClinVar variation 817339 (VCV000817339.1), dbSNP rs1575806033, ClinGen allele CA915942971.

ClinVar aggregate classification (germline): Likely pathogenic (1 of 4 stars; one submission).

Submission:

GeneDx
Classification: Likely pathogenic. Last evaluated: 2018-11-29. Review status: criteria provided, single submitter. Criteria: GeneDx Variant Classification (06012015). Collection method: clinical testing. Allele origin: germline. Affected: yes.
Comment: The c.1314_1321delGTACTCAG variant in the FOXP1 gene has not been reported previously as a pathogenic variant nor as a benign variant, to our knowledge. This variant causes a frameshift starting with codon Tyrosine 439, changes this amino acid to a Glutamine residue, and creates a premature Stop codon at position 19 of the new reading frame, denoted p.Tyr439GlnfsX19. This variant is predicted to cause loss of normal protein function either through protein truncation or nonsense-mediated mRNA decay. The c.1314_1321delGTACTCAG variant is not observed in large population cohorts (Lek et al., 2016). We interpret c.1314_1321delGTACTCAG as a likely pathogenic variant.